The following is an entry in ClinVar:

NM_004260.4(RECQL4):c.3257G>A (p.Gly1086Glu)

Gene: RECQL4 (RecQ like helicase 4; minus strand). Cytogenetic location: 8q24.3.
Variant type: single nucleotide variant.
Coding change: c.3257G>A on transcript NM_004260.4 (MANE Select); coding-DNA position 3257, G replaced by A.
Protein change: p.Gly1086Glu; replaces glycine 1086 with glutamic acid.
Molecular consequence: missense variant.
Genome position (GRCh38, 1-based): chr8:144,512,047, C>T on the plus strand (G>A on the coding strand, the complement: RECQL4 is on the minus strand). VCF-style: chr8-144512047-C-T. GRCh37 (hg19) VCF-style: chr8-145737430-C-T.
Other names: c.3257G>A (NM_004260.3); short protein forms G1086E.
Identifiers: ClinVar variation 1022433 (VCV001022433.6), dbSNP rs1827323404, ClinGen allele CA372669232.

ClinVar aggregate classification (germline): Uncertain significance. Review status: criteria provided, multiple submitters, no conflicts (2 of 4 stars). 2 submissions from 2 submitters: Uncertain significance (2). Last evaluated 2024-10-04.

Conditions:
Baller-Gerold syndrome (BGS). Also called: CRANIOSYNOSTOSIS WITH RADIAL DEFECTS. Identifiers: Orphanet 1225, MedGen C0265308, MONDO:0009039, OMIM 218600.
Inborn genetic diseases. Identifiers: MedGen C0950123, MeSH D030342.

Submissions (2):

Ambry Genetics
Classification: Uncertain significance for Inborn genetic diseases. Last evaluated: 2024-10-04. Review status: criteria provided, single submitter. Criteria: Ambry Variant Classification Scheme 2023. Collection method: clinical testing. Allele origin: germline.
Comment: The p.G1086E variant (also known as c.3257G>A), located in coding exon 19 of the RECQL4 gene, results from a G to A substitution at nucleotide position 3257. The glycine at codon 1086 is replaced by glutamic acid, an amino acid with similar properties. This amino acid position is conserved. In addition, the in silico prediction for this alteration is inconclusive. Based on the available evidence, the clinical significance of this variant remains unclear.

Labcorp Genetics (formerly Invitae), Labcorp
Classification: Uncertain significance for Baller-Gerold syndrome. Last evaluated: 2022-05-13. Review status: criteria provided, single submitter. Criteria: Invitae Variant Classification Sherloc (09022015). Collection method: clinical testing. Allele origin: germline.
Comment: Experimental studies and prediction algorithms are not available or were not evaluated, and the functional significance of this variant is currently unknown. In summary, the available evidence is currently insufficient to determine the role of this variant in disease. Therefore, it has been classified as a Variant of Uncertain Significance. ClinVar contains an entry for this variant (Variation ID: 1022433). This variant has not been reported in the literature in individuals affected with RECQL4-related conditions. This variant is not present in population databases (gnomAD no frequency). This sequence change replaces glycine, which is neutral and non-polar, with glutamic acid, which is acidic and polar, at codon 1086 of the RECQL4 protein (p.Gly1086Glu).